The following is an entry in ClinVar:

NM_001042492.3(NF1):c.5306G>C (p.Arg1769Pro)

Gene: NF1 (neurofibromin 1; plus strand). Cytogenetic location: 17q11.2.
Variant type: single nucleotide variant.
Coding change: c.5306G>C on transcript NM_001042492.3 (MANE Select); coding-DNA position 5306, G replaced by C.
Protein change: p.Arg1769Pro; replaces arginine 1769 with proline.
Molecular consequence: missense variant.
Genome position (GRCh38, 1-based): chr17:31,327,536, G>C. VCF-style: chr17-31327536-G-C. GRCh37 (hg19) VCF-style: chr17-29654554-G-C.
Other names: c.5243G>C, p.Arg1748Pro (NM_000267.4); short protein forms R1748P, R1769P.
Identifiers: ClinVar variation 1032277 (VCV001032277.5), dbSNP rs1555533559, ClinGen allele CA399009053.

ClinVar aggregate classification (germline): Conflicting classifications of pathogenicity. Review status: criteria provided, conflicting classifications (1 of 4 stars). 4 submissions from 4 submitters: Pathogenic (1); Likely pathogenic (2); Uncertain significance (1). Last evaluated 2026-06-22.

Conditions:
Neurofibromatosis, type 1 (NF1). Also called: NEUROFIBROMATOSIS, TYPE I, SOMATIC; Peripheral type neurofibromatosis; Neurofibromatosis, type I; VON RECKLINGHAUSEN DISEASE. Identifiers: Orphanet 636, MedGen C0027831, MONDO:0018975, OMIM 162200. Disease mechanism: loss of function.
Café-au-lait macules with pulmonary stenosis (WTSN). Also called: PULMONIC STENOSIS WITH CAFE-AU-LAIT SPOTS. Identifiers: MedGen C0553586, MONDO:0008672, OMIM 193520.
Hereditary cancer-predisposing syndrome. Also called: Tumor predisposition; Neoplastic Syndromes, Hereditary; Hereditary neoplastic syndrome; Hereditary Cancer Syndrome. Identifiers: Orphanet 140162, MedGen C0027672, MeSH D009386, MONDO:0015356.
Cardiovascular phenotype. Identifiers: MedGen CN230736.

gnomAD v4.1: 1 of 1,613,992 alleles (0.000062%); highest among the groups gnomAD compares: Non-Finnish European, 0.000085%; no homozygotes.

Submissions (4):

Institute of Human Genetics, University of Leipzig Medical Center
Classification: Likely pathogenic for Neurofibromatosis, type 1. Last evaluated: 2026-06-22. Review status: criteria provided, single submitter. Criteria: ACMG Guidelines, 2015. Collection method: clinical testing. Allele origin: unknown. Inheritance: Autosomal dominant inheritance. Affected: yes.
Comment: Criteria applied: PM6,PP4_MOD,PS4_SUP,PM2_SUP,PP3

Ambry Genetics
Classification: Likely pathogenic for Cardiovascular phenotype; Hereditary cancer-predisposing syndrome. Last evaluated: 2025-07-28. Review status: criteria provided, single submitter. Criteria: Ambry Variant Classification Scheme 2023. Collection method: clinical testing. Allele origin: germline.
Comment: The p.R1748P variant (also known as c.5243G>C), located in coding exon 37 of the NF1 gene, results from a G to C substitution at nucleotide position 5243. The arginine at codon 1748 is replaced by proline, an amino acid with dissimilar properties. This variant was reported in individual(s) with features consistent with Neurofibromatosis type 1; in at least one individual, it was determined to be de novo (Ambry internal data; external communication). This amino acid position is highly conserved in available vertebrate species. In addition, this alteration is predicted to be deleterious by in silico analysis. This variant is considered to be rare based on population cohorts in the Genome Aggregation Database (gnomAD). Based on the majority of available evidence to date, this variant is likely to be pathogenic.

Labcorp Genetics (formerly Invitae), Labcorp
Classification: Pathogenic for Neurofibromatosis, type 1. Last evaluated: 2024-11-18. Review status: criteria provided, single submitter. Criteria: Invitae Variant Classification Sherloc (09022015). Collection method: clinical testing. Allele origin: germline.
Comment: This sequence change replaces arginine, which is basic and polar, with proline, which is neutral and non-polar, at codon 1748 of the NF1 protein (p.Arg1748Pro). This variant is not present in population databases (gnomAD no frequency). This missense change has been observed in individual(s) with clinical features of NF1-related conditions (internal data). In at least one individual the variant was observed to be de novo. ClinVar contains an entry for this variant (Variation ID: 1032277). Invitae Evidence Modeling of protein sequence and biophysical properties (such as structural, functional, and spatial information, amino acid conservation, physicochemical variation, residue mobility, and thermodynamic stability) indicates that this missense variant is expected to disrupt NF1 protein function with a positive predictive value of 95%. For these reasons, this variant has been classified as Pathogenic.

Baylor Genetics
Classification: Uncertain significance for Café-au-lait macules with pulmonary stenosis. Last evaluated: 2018-06-19. Review status: criteria provided, single submitter. Criteria: ACMG Guidelines, 2015. Collection method: clinical testing. Allele origin: paternal. Affected: yes.
Comment: This variant was determined to be of uncertain significance according to ACMG Guidelines, 2015 [PMID:25741868].